The following is an entry in ClinVar:

ClinVar aggregate classification (germline): Uncertain significance. Review status: criteria provided, multiple submitters, no conflicts (2 of 4 stars). 2 submissions from 2 submitters: Uncertain significance (2). Last evaluated 2025-01-16.

Conditions:
DICER1-related tumor predisposition. Also called: DICER1-related pleuropulmonary blastoma cancer predisposition syndrome; DICER1 syndrome. Identifiers: Orphanet 284343, MedGen C3839822, MONDO:0100216.
Hereditary cancer-predisposing syndrome. Also called: Hereditary neoplastic syndrome; Neoplastic Syndromes, Hereditary; Tumor predisposition; Hereditary Cancer Syndrome. Identifiers: Orphanet 140162, MedGen C0027672, MeSH D009386, MONDO:0015356.

Allele frequency attached by ClinVar (database versions not stated): gnomAD exomes below 0.00001.
gnomAD v4.1: 1 of 1,614,218 alleles (0.000062%); highest among the groups gnomAD compares: Non-Finnish European, 0.000085%; no homozygotes.

Submissions (2):

Labcorp Genetics (formerly Invitae), Labcorp
Classification: Uncertain significance for DICER1-related tumor predisposition. Last evaluated: 2025-01-16. Review status: criteria provided, single submitter. Criteria: Invitae Variant Classification Sherloc (09022015). Collection method: clinical testing. Allele origin: germline.
Comment: This sequence change replaces alanine, which is neutral and non-polar, with valine, which is neutral and non-polar, at codon 1624 of the DICER1 protein (p.Ala1624Val). This variant is not present in population databases (gnomAD no frequency). This variant has not been reported in the literature in individuals affected with DICER1-related conditions. ClinVar contains an entry for this variant (Variation ID: 483413). Invitae Evidence Modeling of protein sequence and biophysical properties (such as structural, functional, and spatial information, amino acid conservation, physicochemical variation, residue mobility, and thermodynamic stability) indicates that this missense variant is not expected to disrupt DICER1 protein function with a negative predictive value of 95%. In summary, the available evidence is currently insufficient to determine the role of this variant in disease. Therefore, it has been classified as a Variant of Uncertain Significance.

Ambry Genetics
Classification: Uncertain significance for Hereditary cancer-predisposing syndrome. Last evaluated: 2022-05-10. Review status: criteria provided, single submitter. Criteria: Ambry Variant Classification Scheme 2023. Collection method: clinical testing. Allele origin: germline.
Comment: The p.A1624V variant (also known as c.4871C>T), located in coding exon 22 of the DICER1 gene, results from a C to T substitution at nucleotide position 4871. The alanine at codon 1624 is replaced by valine, an amino acid with similar properties. This amino acid position is not well conserved in available vertebrate species. In addition, this alteration is predicted to be tolerated by in silico analysis. Since supporting evidence is limited at this time, the clinical significance of this alteration remains unclear.

NM_177438.3(DICER1):c.4871C>T (p.Ala1624Val)

Gene: DICER1 (dicer 1, ribonuclease III; minus strand). Cytogenetic location: 14q32.13.
Variant type: single nucleotide variant.
Coding change: c.4871C>T on transcript NM_177438.3 (MANE Select); coding-DNA position 4871, C replaced by T.
Protein change: p.Ala1624Val; replaces alanine 1624 with valine.
Molecular consequence: missense variant.
Genome position (GRCh38, 1-based): chr14:95,096,049, G>A on the plus strand (C>T on the coding strand, the complement: DICER1 is on the minus strand). VCF-style: chr14-95096049-G-A. GRCh37 (hg19) VCF-style: chr14-95562386-G-A.
Other names: c.4871C>T, p.Ala1624Val (NM_001195573.1, NM_001271282.3, NM_001291628.2 and 1 more transcripts); short protein forms A1624V.
Identifiers: ClinVar variation 483413 (VCV000483413.14), dbSNP rs1555367596, ClinGen allele CA390866595.